The following is an entry in ClinVar:

NM_001378615.1(CC2D2A):c.4090dup (p.Asp1364fs)

Genes: CC2D2A (coiled-coil and C2 domain containing 2A; plus strand), FBXL5 (F-box and leucine rich repeat protein 5; minus strand). Cytogenetic location: 4p15.32.
Variant type: Duplication.
Coding change: c.4090dup on transcript NM_001378615.1 (MANE Select); coding-DNA position 4090, one base duplicated (G; older notation c.4090dupG).
Protein change: p.Asp1364fs; shifts the reading frame from aspartic acid 1364.
Molecular consequence: frameshift variant.
Genome position (GRCh38, 1-based): chr4:15,587,840, G duplicated; the last of 4 consecutive G bases (chr4:15,587,837-15,587,840); duplicating any one gives the same sequence. VCF-style (leftmost placement, unchanged base first): chr4-15587836-A-AG. GRCh37 (hg19) VCF-style: chr4-15589459-A-AG.
Other names: c.4090dup, p.Asp1364fs (NM_001080522.2); c.3943dup, p.Asp1315fs (NM_001378617.1); short protein forms D1315fs, D1364fs.
Identifiers: ClinVar variation 5015506 (VCV005015506.1).

ClinVar aggregate classification (germline): Pathogenic (1 of 4 stars; one submission).

Conditions:
Joubert syndrome and related disorders. Identifiers: Orphanet 140874, MedGen C5679612, MONDO:0015369.

Submission:

Myriad Genetics, Inc.
Classification: Pathogenic for Joubert syndrome and related disorders. Last evaluated: 2026-02-02. Review status: criteria provided, single submitter. Criteria: Myriad Autosomal Dominant, Autosomal Recessive and X-Linked Classification Criteria (2023). Collection method: clinical testing. Allele origin: unknown.
Comment: NM_001080522.2(CC2D2A):c.4090dupG(D1364Gfs*2) is expected to be pathogenic in the context of CC2D2A-related disorders. This variant is predicted to lead to an abnormal or absent protein product due to the creation of a premature termination codon in CC2D2A, a gene where loss-of-function variants are known to be pathogenic. Please note: this variant was assessed in the context of healthy population screening.